The following is an entry in ClinVar:

NM_000081.4(LYST):c.1126C>T (p.Pro376Ser)

Gene: LYST (lysosomal trafficking regulator; minus strand). Cytogenetic location: 1q42.3.
Variant type: single nucleotide variant.
Coding change: c.1126C>T on transcript NM_000081.4 (MANE Select); coding-DNA position 1126, C replaced by T.
Protein change: p.Pro376Ser; replaces proline 376 with serine.
Molecular consequence: missense variant.
Genome position (GRCh38, 1-based): chr1:235,809,692, G>A on the plus strand (C>T on the coding strand, the complement: LYST is on the minus strand). VCF-style: chr1-235809692-G-A. GRCh37 (hg19) VCF-style: chr1-235972992-G-A.
Other names: c.1126C>T, p.Pro376Ser (NM_001301365.1); short protein forms P376S.
Identifiers: ClinVar variation 1518500 (VCV001518500.5), dbSNP rs770362521, ClinGen allele CA344963105.

ClinVar aggregate classification (germline): Uncertain significance (1 of 4 stars; one submission).

Conditions:
Chédiak-Higashi syndrome (CHS). Also called: Chediak-Higashi Syndrome. Identifiers: Orphanet 167, MedGen C0007965, MONDO:0008963, OMIM 214500.

Submission:

Labcorp Genetics (formerly Invitae), Labcorp
Classification: Uncertain significance for Chédiak-Higashi syndrome. Last evaluated: 2022-06-27. Review status: criteria provided, single submitter. Criteria: Invitae Variant Classification Sherloc (09022015). Collection method: clinical testing. Allele origin: germline.
Comment: In summary, the available evidence is currently insufficient to determine the role of this variant in disease. Therefore, it has been classified as a Variant of Uncertain Significance. Algorithms developed to predict the effect of missense changes on protein structure and function are either unavailable or do not agree on the potential impact of this missense change (SIFT: "Tolerated"; PolyPhen-2: "Probably Damaging"; Align-GVGD: "Class C0"). This variant has not been reported in the literature in individuals affected with LYST-related conditions. This variant is not present in population databases (gnomAD no frequency). This sequence change replaces proline, which is neutral and non-polar, with serine, which is neutral and polar, at codon 376 of the LYST protein (p.Pro376Ser).